The following is an entry in ClinVar:

NM_000092.5(COL4A4):c.3933C>G (p.Tyr1311Ter)

Gene: COL4A4 (collagen type IV alpha 4 chain; minus strand). Cytogenetic location: 2q36.3.
Variant type: single nucleotide variant.
Coding change: c.3933C>G on transcript NM_000092.5 (MANE Select); coding-DNA position 3933, C replaced by G.
Protein change: p.Tyr1311Ter; replaces tyrosine 1311 with a stop codon.
Molecular consequence: nonsense.
Genome position (GRCh38, 1-based): chr2:227,030,483, G>C on the plus strand (C>G on the coding strand, the complement: COL4A4 is on the minus strand). VCF-style: chr2-227030483-G-C. GRCh37 (hg19) VCF-style: chr2-227895199-G-C.
Other names: p.(Tyr1311*); short protein forms Y1311*.
Identifiers: ClinVar variation 966572 (VCV000966572.18), dbSNP rs1433065763, ClinGen allele CA350837253.

ClinVar aggregate classification (germline): Pathogenic/Likely pathogenic. Review status: criteria provided, multiple submitters, no conflicts (2 of 4 stars). 10 submissions from 9 submitters: Pathogenic (8); Likely pathogenic (1). 1 of the submissions does not count toward it. Last evaluated 2026-04-24.

Conditions:
Autosomal dominant Alport syndrome (ATS3A). Also called: ALPORT SYNDROME 3A, AUTOSOMAL DOMINANT; Alport syndrome dominant type; Renal failure and sensorineural hearing loss. Identifiers: Orphanet 63, Orphanet 88918, MedGen C5882663, MONDO:0007086, OMIM 104200.
Autosomal recessive Alport syndrome (ATS2). Also called: COL4A4 Alport Syndrome and Thin Basement Membrane Nephropathy; ALPORT SYNDROME 2, AUTOSOMAL RECESSIVE; Alport syndrome type 2; COL4A3-Related Nephropathy. Identifiers: Orphanet 63, Orphanet 88919, MedGen C4746745, MONDO:0008762, OMIM 203780.
COL4A4-related disorder.
Alport syndrome. Also called: Hemorrhagic familial nephritis; Hemorrhagic hereditary nephritis; Congenital hereditary hematuria. Identifiers: Orphanet 63, MedGen C1567741, MONDO:0018965.
Hematuria. Identifiers: MedGen C0018965, HP:0000790.
Benign familial hematuria. Also called: thin basement membrane disease. Identifiers: MedGen C0241908, MONDO:0957317.
Focal segmental glomerulosclerosis 7 (FSGS7). Identifiers: Orphanet 656, MedGen C4014925, MONDO:0014451, OMIM 616002.

Allele frequency attached by ClinVar (database versions not stated): gnomAD exomes below 0.00001.
gnomAD v4.1: 7 of 1,614,158 alleles (0.00043%); highest among the groups gnomAD compares: Middle Eastern, 0.016%; no homozygotes.

Submissions (10):

Centre de Génétique Humaine, Institut de Pathologie Et de Génétique
Classification: Pathogenic for Autosomal recessive Alport syndrome. Last evaluated: 2026-04-24. Review status: criteria provided, single submitter. Criteria: ACMG Guidelines, 2015. Collection method: clinical testing. Allele origin: germline, biparental. Inheritance: Autosomal recessive inheritance. Affected: yes. Observed: 2 variant alleles, 2 homozygotes. Clinical features observed: Microscopic hematuria (HP:0002907), Proteinuria (HP:0000093), Chronic kidney disease (HP:0012622), Severe albuminuria (HP:0033066), Sensorineural hearing loss disorder (HP:0000407). Segregation with disease observed.
Comment: Nonsense variant predicted to result in protein truncation or nonsense mediated decay in a gene for which loss-of-function is a known mechanism of disease (PVS1). This variant is rare: allelic frequency of 0.00043% in gnomAD v4.1.0 database (PM2). Described in scientific litterature as homozygous in patient with AR AS (PP5).

Centre de Génétique Humaine, Institut de Pathologie Et de Génétique
Classification: Pathogenic for Autosomal dominant Alport syndrome. Last evaluated: 2026-04-24. Review status: criteria provided, single submitter. Criteria: ACMG Guidelines, 2015. Collection method: clinical testing. Allele origin: germline. Inheritance: Autosomal dominant inheritance. Affected: yes. Observed: 1 variant allele, 1 heterozygote. Segregation with disease not observed.
Comment: the same text as in the submission from Centre de Génétique Humaine, Institut de Pathologie Et de Génétique above.

Molecular Lab, University of Sulaimaniyah
Classification: Pathogenic for Focal segmental glomerulosclerosis 7. Last evaluated: 2026-04-06. Review status: criteria provided, single submitter. Criteria: ACMG Guidelines, 2015. Collection method: research. Allele origin: germline. Inheritance: Autosomal recessive inheritance. Affected: yes. Observed: 1 variant allele, 2 homozygotes. Clinical features observed: Biopsy-proven focal segmental glomerulosclerosis.
Comment: This variant was classified using the ACMG/AMP 2015 framework (PMID:25741868). PVS1 was applied because COL4A4 c.3933C>G is a predicted loss-of-function variant. PM2 was considered because the variant is rare in population databases (<0.01%). PP4 was used as supporting case-level evidence because the variant was observed in an affected individual from a biopsy-proven focal segmental glomerulosclerosis cohort. As internal case-level support, the variant was observed in 1 affected individual(s) among 35 individuals tested, including 1 homozygote. No functional assay evidence is submitted. Overall, the submitted evidence supported a Pathogenic classification.

PreventionGenetics, part of Exact Sciences
Classification: Pathogenic for COL4A4-related condition. Last evaluated: 2026-02-03. Review status: criteria provided, single submitter. Criteria: ACMG Guidelines, 2015. Collection method: clinical testing. Allele origin: germline.
Comment: The COL4A4 c.3933C>G variant is predicted to result in premature protein termination (p.Tyr1311*). This variant has been reported in individual(s) with Alport syndrome (see for example, Table 1. Cheema et al. 2020. PubMed ID: 33083013; ). This variant is not reported in the large control database (gnomAD), indicating it is rare. Nonsense variants in COL4A4 are expected to be pathogenic. This variant is interpreted as pathogenic.

Genetics Laboratory, Great Ormond Street Hospital NHS Foundation Trust, North Thames Genomic Laboratory Hub
Classification: Pathogenic for Haematuria. Last evaluated: 2026-01-21. Review status: criteria provided, single submitter. Criteria: ACGS Best Practice Guidelines for Variant Classification in Rare Disease 2024 v1.2. Collection method: clinical testing. Allele origin: germline. Affected: yes.
Comment: PM2_moderate, PVS1_very-strong

Labcorp Genetics (formerly Invitae), Labcorp
Classification: Pathogenic. Last evaluated: 2023-11-19. Review status: criteria provided, single submitter. Criteria: Invitae Variant Classification Sherloc (09022015). Collection method: clinical testing. Allele origin: germline.
Comment: This sequence change creates a premature translational stop signal (p.Tyr1311*) in the COL4A4 gene. It is expected to result in an absent or disrupted protein product. Loss-of-function variants in COL4A4 are known to be pathogenic (PMID: 21196518, 24854265, 25307543). This variant is present in population databases (no rsID available, gnomAD 0.0009%). This variant has not been reported in the literature in individuals affected with COL4A4-related conditions. ClinVar contains an entry for this variant (Variation ID: 966572). For these reasons, this variant has been classified as Pathogenic.

Revvity Omics, Revvity
Classification: Pathogenic. Last evaluated: 2023-05-02. Review status: criteria provided, single submitter. Criteria: ACMG Guidelines, 2015. Collection method: clinical testing. Allele origin: germline.

Fulgent Genetics
Classification: Pathogenic for Hematuria, benign familial, 1; Autosomal recessive Alport syndrome. Last evaluated: 2022-03-24. Review status: criteria provided, single submitter. Criteria: ACMG Guidelines, 2015. Collection method: clinical testing. Allele origin: unknown.

CENTOGENE GmbH and LLC - Guiding Precision Medicine
Classification: Likely pathogenic for Alport syndrome type 2. Review status: criteria provided, single submitter. Criteria: ACMG Guidelines, 2015. Collection method: clinical testing. Allele origin: germline. Affected: yes.

Natera, Inc.
Classification: Pathogenic for Alport syndrome. Last evaluated: 2021-07-01. Review status: no assertion criteria provided. Collection method: clinical testing. Allele origin: germline. Not counted in ClinVar's aggregate classification.

Literature cited by the submitters: PubMed 33083013 (cited by Centre de Génétique Humaine, Institut de Pathologie Et de Génétique); PubMed 21196518 (cited by Labcorp Genetics (formerly Invitae), Labcorp); PubMed 24854265 (cited by Labcorp Genetics (formerly Invitae), Labcorp); PubMed 25307543 (cited by Labcorp Genetics (formerly Invitae), Labcorp).